The following is an entry in ClinVar:

NM_001042492.3(NF1):c.-1C>G

Genes: MIR4733HG (MIR4733 host gene; minus strand), NF1 (neurofibromin 1; plus strand), LOC111811965 (NF1 (neurofibromin 1) promoter region; plus strand). Cytogenetic location: 17q11.2.
Variant type: single nucleotide variant.
Coding change: c.-1C>G on transcript NM_001042492.3 (MANE Select); 1 bases upstream of the start codon, C replaced by G.
Molecular consequence: 5 prime UTR variant. On other transcripts: non-coding transcript variant (1).
Genome position (GRCh38, 1-based): chr17:31,095,309, C>G. VCF-style: chr17-31095309-C-G. GRCh37 (hg19) VCF-style: chr17-29422327-C-G.
Other names: c.-1C>G (NM_000267.4, NM_001128147.3).
Identifiers: ClinVar variation 4860966 (VCV004860966.1).

ClinVar aggregate classification (germline): Uncertain significance (1 of 4 stars; one submission).

Conditions:
Cardiovascular phenotype. Identifiers: MedGen CN230736.
Hereditary cancer-predisposing syndrome. Also called: Neoplastic Syndromes, Hereditary; Tumor predisposition; Hereditary Cancer Syndrome; Hereditary neoplastic syndrome. Identifiers: Orphanet 140162, MedGen C0027672, MeSH D009386, MONDO:0015356.

gnomAD v4.1: 4 of 1,537,442 alleles (0.00026%); highest among the groups gnomAD compares: Non-Finnish European, 0.00035%; no homozygotes.

Submission:

Ambry Genetics
Classification: Uncertain significance for Cardiovascular phenotype; Hereditary cancer-predisposing syndrome. Last evaluated: 2026-05-14. Review status: criteria provided, single submitter. Criteria: Ambry Variant Classification Scheme 2023. Collection method: clinical testing. Allele origin: germline.
Comment: The c.-1C>G variant is located in the 5' untranslated region (5&rsquo; UTR) of the NF1 gene. This variant results from a C to G substitution 1 base upstream from the first translated codon. This nucleotide position is highly conserved in available vertebrate species. Based on the available evidence, the clinical significance of this variant remains unclear.